The following is an entry in ClinVar:

ClinVar aggregate classification (germline): Uncertain significance. Review status: criteria provided, multiple submitters, no conflicts (2 of 4 stars). 2 submissions from 2 submitters: Uncertain significance (2). Last evaluated 2026-01-26.

Conditions:
Werner syndrome (WRN). Identifiers: Orphanet 902, MedGen C0043119, MONDO:0010196, OMIM 277700.

Allele frequency attached by ClinVar (database versions not stated): gnomAD 0.00004 and 0.00005; gnomAD exomes 0.00006; ESP Exome Variant Server 0.00008; TOPMed 0.00009.
gnomAD v4.1: 99 of 1,613,804 alleles (0.0061%); highest among the groups gnomAD compares: Non-Finnish European, 0.0051%; no homozygotes.

Submissions (2):

Labcorp Genetics (formerly Invitae), Labcorp
Classification: Uncertain significance for Werner syndrome. Last evaluated: 2026-01-26. Review status: criteria provided, single submitter. Criteria: Invitae Variant Classification Sherloc (09022015). Collection method: clinical testing. Allele origin: germline.
Comment: This sequence change replaces threonine, which is neutral and polar, with arginine, which is basic and polar, at codon 767 of the WRN protein (p.Thr767Arg). This variant is present in population databases (rs201282577, gnomAD 0.05%). This variant has not been reported in the literature in individuals affected with WRN-related conditions. ClinVar contains an entry for this variant (Variation ID: 458415). An algorithm developed to predict the effect of missense changes on protein structure and function (PolyPhen-2) suggests that this variant is likely to be disruptive. In summary, the available evidence is currently insufficient to determine the role of this variant in disease. Therefore, it has been classified as a Variant of Uncertain Significance.

Baylor Genetics
Classification: Uncertain significance for Werner syndrome. Last evaluated: 2023-06-07. Review status: criteria provided, single submitter. Criteria: ACMG Guidelines, 2015. Collection method: clinical testing. Allele origin: unknown.

NM_000553.6(WRN):c.2300C>G (p.Thr767Arg)

Gene: WRN (WRN RecQ like helicase; plus strand). Cytogenetic location: 8p12.
Variant type: single nucleotide variant.
Coding change: c.2300C>G on transcript NM_000553.6 (MANE Select); coding-DNA position 2300, C replaced by G.
Protein change: p.Thr767Arg; replaces threonine 767 with arginine.
Molecular consequence: missense variant.
Genome position (GRCh38, 1-based): chr8:31,116,380, C>G. VCF-style: chr8-31116380-C-G. GRCh37 (hg19) VCF-style: chr8-30973896-C-G.
Other names: short protein forms T767R.
Identifiers: ClinVar variation 458415 (VCV000458415.8), dbSNP rs201282577, ClinGen allele CA4704714.